The following is an entry in ClinVar:

NM_001130987.2(DYSF):c.6314C>T (p.Ala2105Val)

Gene: DYSF (dysferlin; plus strand). Cytogenetic location: 2p13.2.
Variant type: single nucleotide variant.
Coding change: c.6314C>T on transcript NM_001130987.2 (MANE Select); coding-DNA position 6314, C replaced by T.
Protein change: p.Ala2105Val; replaces alanine 2105 with valine.
Molecular consequence: missense variant.
Genome position (GRCh38, 1-based): chr2:71,682,670, C>T. VCF-style: chr2-71682670-C-T. GRCh37 (hg19) VCF-style: chr2-71909800-C-T.
Other names: c.6200C>T, p.Ala2067Val (NM_001130455.2); c.6155C>T, p.Ala2052Val (NM_001130976.2); c.6218C>T, p.Ala2073Val (NM_001130977.2); c.6260C>T, p.Ala2087Val (NM_001130978.2); c.6290C>T, p.Ala2097Val (NM_001130979.2); c.6248C>T, p.Ala2083Val (NM_001130980.2); c.6311C>T, p.Ala2104Val (NM_001130981.2); c.6293C>T, p.Ala2098Val (NM_001130982.2); and 5 more; short protein forms A2105V, A2066V, A2052V, A2088V, A2074V, A2084V, A2097V, A2073V.
Identifiers: ClinVar variation 288090 (VCV000288090.14), dbSNP rs886043805, ClinGen allele CA10605966.

ClinVar aggregate classification (germline): Conflicting classifications of pathogenicity. Review status: criteria provided, conflicting classifications (1 of 4 stars). 2 submissions from 2 submitters: Likely pathogenic (1); Uncertain significance (1). Last evaluated 2024-05-20.

Conditions:
Neuromuscular disease caused by qualitative or quantitative defects of dysferlin. Also called: Dysferlinopathy; Qualitative or quantitative defects of dysferlin. Identifiers: Orphanet 207073, MedGen C2931687, MONDO:0016145.

Submissions (2):

Labcorp Genetics (formerly Invitae), Labcorp
Classification: Likely pathogenic for Neuromuscular disease caused by qualitative or quantitative defects of dysferlin. Last evaluated: 2024-05-20. Review status: criteria provided, single submitter. Criteria: Invitae Variant Classification Sherloc (09022015). Collection method: clinical testing. Allele origin: germline.
Comment: This sequence change replaces alanine, which is neutral and non-polar, with valine, which is neutral and non-polar, at codon 2066 of the DYSF protein (p.Ala2066Val). This variant is not present in population databases (gnomAD no frequency). This missense change has been observed in individual(s) with limb-girdle muscular dystrophy (Invitae). In at least one individual the data is consistent with being in trans (on the opposite chromosome) from a pathogenic variant. ClinVar contains an entry for this variant (Variation ID: 288090). Advanced modeling of protein sequence and biophysical properties (such as structural, functional, and spatial information, amino acid conservation, physicochemical variation, residue mobility, and thermodynamic stability) performed at Invitae indicates that this missense variant is not expected to disrupt DYSF protein function with a negative predictive value of 80%. This variant disrupts the p.Ala2066 amino acid residue in DYSF. Other variant(s) that disrupt this residue have been determined to be pathogenic (PMID: 21522182, 27066573; Invitae). This suggests that this residue is clinically significant, and that variants that disrupt this residue are likely to be disease-causing. In summary, the currently available evidence indicates that the variant is pathogenic, but additional data are needed to prove that conclusively. Therefore, this variant has been classified as Likely Pathogenic.

Eurofins Ntd Llc (ga)
Classification: Uncertain significance. Last evaluated: 2016-05-12. Review status: criteria provided, single submitter. Criteria: EGL Classification Definitions 2015. Collection method: clinical testing. Allele origin: germline. Observed: 1 variant allele, 1 heterozygote.

Literature cited by the submitters: PubMed 21522182 (cited by Labcorp Genetics (formerly Invitae), Labcorp); PubMed 27066573 (cited by Labcorp Genetics (formerly Invitae), Labcorp).